The following is an entry in ClinVar:

NM_001267550.2(TTN):c.28596A>G (p.Ile9532Met)

Gene: TTN (titin; minus strand). Cytogenetic location: 2q31.2.
Variant type: single nucleotide variant.
Coding change: c.28596A>G on transcript NM_001267550.2 (MANE Select); coding-DNA position 28596, A replaced by G.
Protein change: p.Ile9532Met; replaces isoleucine 9532 with methionine.
Molecular consequence: missense variant. On other transcripts: intron variant (3).
Genome position (GRCh38, 1-based): chr2:178,709,723, T>C on the plus strand (A>G on the coding strand, the complement: TTN is on the minus strand). VCF-style: chr2-178709723-T-C. GRCh37 (hg19) VCF-style: chr2-179574450-T-C.
Other names: c.27645A>G, p.Ile9215Met (NM_001256850.1); c.24864A>G, p.Ile8288Met (NM_133378.4); c.13282+28359A>G (NM_003319.4); c.13858+28359A>G (NM_133437.4); c.13657+28359A>G (NM_133432.3); short protein forms I8288M, I9532M, I9215M.
Identifiers: ClinVar variation 287421 (VCV000287421.19), dbSNP rs749485243, ClinGen allele CA1999562.

ClinVar aggregate classification (germline): Uncertain significance. Review status: criteria provided, multiple submitters, no conflicts (2 of 4 stars). 2 submissions from 2 submitters: Uncertain significance (2). Last evaluated 2024-09-01.

Allele frequency attached by ClinVar (database versions not stated): gnomAD exomes below 0.00001; ExAC 0.00001.
gnomAD v4.1: 1 of 1,613,926 alleles (0.000062%); highest among the groups gnomAD compares: Admixed American, 0.0017%; no homozygotes.

Submissions (2):

CeGaT Center for Human Genetics Tuebingen
Classification: Uncertain significance. Last evaluated: 2024-09-01. Review status: criteria provided, single submitter. Criteria: CeGaT Center For Human Genetics Tuebingen Variant Classification Criteria Version 2. Collection method: clinical testing. Allele origin: germline. Affected: yes. Observed: 1 variant allele.
Comment: TTN: PM2, BP4

Eurofins Ntd Llc (ga)
Classification: Uncertain significance. Last evaluated: 2016-05-25. Review status: criteria provided, single submitter. Criteria: EGL Classification Definitions 2015. Collection method: clinical testing. Allele origin: germline. Observed: 1 variant allele, 1 heterozygote.